The following is an entry in ClinVar:

ClinVar aggregate classification (germline): Uncertain significance (1 of 4 stars; one submission).

Submission:

Women's Health and Genetics/Laboratory Corporation of America, LabCorp
Classification: Uncertain significance. Last evaluated: 2023-07-03. Review status: criteria provided, single submitter. Criteria: LabCorp Variant Classification Summary - May 2015. Collection method: clinical testing. Allele origin: germline.
Comment: Variant summary: The variant identified by MLPA or other technology involves the duplication of exons 1-4 (i.e., the full coding sequence) of the DPM2 gene. A presumed nomenclature of c.(?_-665)_(*628_?)dup has been designated for the purposes of this classification. It has been assumed that this is a tandem duplication in direct orientation (Richardson_GIM_2018, Newman_AJHG_2015). Since exact breakpoints of this duplication are not known, it might extend beyond the assayed region of the DPM2 gene, including other flanking genes. The variant was absent in 21692 control chromosomes (gnomAD, Structural Variants dataset). The available data on variant occurrences in the general population are insufficient to allow any conclusion about variant significance. To our knowledge, no occurrence of c.(?_-665)_(*628_?)dup in individuals affected with Congenital Disorder Of Glycosylation Type 1u and no experimental evidence demonstrating its impact on protein function have been reported. One submitter has reported clinical-significance assessments for a large (~736 kb) duplication variant, which involves the DPM2 gene together with the duplication of both upstream and downstream flanking genes, to ClinVar after 2014 and classified the variant as uncertain significance in the context of the congenital disorder of glycosylation type 1u phenotype. Based on the evidence outlined above, the variant was classified as uncertain significance.

NC_000009.11:g.(?_130697373)_(130700764_?)dup

Gene: DPM2 (dolichyl-phosphate mannosyltransferase subunit 2, regulatory; minus strand). Cytogenetic location: 9q34.11.
Variant type: Duplication.
Identifiers: ClinVar variation 2577397 (VCV002577397.1).